The following is an entry in ClinVar:

NM_012210.4(TRIM32):c.494G>T (p.Arg165Leu)

Genes: ASTN2 (astrotactin 2; minus strand), TRIM32 (tripartite motif containing 32; plus strand). Cytogenetic location: 9q33.1.
Variant type: single nucleotide variant.
Coding change: c.494G>T on transcript NM_012210.4 (MANE Select); coding-DNA position 494, G replaced by T.
Protein change: p.Arg165Leu; replaces arginine 165 with leucine.
Molecular consequence: missense variant. On other transcripts: intron variant (3).
Genome position (GRCh38, 1-based): chr9:116,698,236, G>T. VCF-style: chr9-116698236-G-T. GRCh37 (hg19) VCF-style: chr9-119460515-G-T.
Other names: c.2794+27535C>A (NM_001365069.1); c.2806+27535C>A (NM_001365068.1); c.494G>T, p.Arg165Leu (NM_001099679.2, NM_001379048.1, NM_001379049.1 and 1 more transcripts); c.2653+27535C>A (NM_014010.5); short protein forms R165L.
Identifiers: ClinVar variation 965464 (VCV000965464.9), dbSNP rs761591526, ClinGen allele CA5210993.

ClinVar aggregate classification (germline): Uncertain significance. Review status: criteria provided, multiple submitters, no conflicts (2 of 4 stars). 3 submissions from 3 submitters: Uncertain significance (2). 1 of the submissions does not count toward it. Last evaluated 2022-10-24.

Conditions:
Bardet-Biedl syndrome 11 (BBS11). Identifiers: Orphanet 110, MedGen C1859569, MONDO:0014439, OMIM 615988.
Sarcotubular myopathy (LGMDR8). Also called: Hutterite type of muscular dystrophy; Autosomal recessive limb-girdle muscular dystrophy type 2H; MUSCULAR DYSTROPHY, LIMB-GIRDLE, AUTOSOMAL RECESSIVE 8; Limb-girdle muscular dystrophy, type 2H. Identifiers: Orphanet 1878, MedGen C0270968, MONDO:0009683, OMIM 254110.
TRIM32-related disorder. Also called: TRIM32-related condition.
Bardet-Biedl syndrome (BBS). Identifiers: Orphanet 110, MedGen C0752166, MONDO:0015229.

Allele frequency attached by ClinVar (database versions not stated): TOPMed 0.00007; gnomAD 0.00008 and 0.00009.
gnomAD v4.1: 19 of 1,614,006 alleles (0.0012%); highest among the groups gnomAD compares: African/African-American, 0.02%; no homozygotes.

Submissions (3):

Labcorp Genetics (formerly Invitae), Labcorp
Classification: Uncertain significance for Bardet-Biedl syndrome. Last evaluated: 2022-10-24. Review status: criteria provided, single submitter. Criteria: Invitae Variant Classification Sherloc (09022015). Collection method: clinical testing. Allele origin: germline.
Comment: This sequence change replaces arginine, which is basic and polar, with leucine, which is neutral and non-polar, at codon 165 of the TRIM32 protein (p.Arg165Leu). This variant is present in population databases (rs761591526, gnomAD 0.03%). This variant has not been reported in the literature in individuals affected with TRIM32-related conditions. ClinVar contains an entry for this variant (Variation ID: 965464). Algorithms developed to predict the effect of missense changes on protein structure and function output the following: SIFT: "Deleterious"; PolyPhen-2: "Benign"; Align-GVGD: "Class C25". The leucine amino acid residue is found in multiple mammalian species, which suggests that this missense change does not adversely affect protein function. In summary, the available evidence is currently insufficient to determine the role of this variant in disease. Therefore, it has been classified as a Variant of Uncertain Significance.

Fulgent Genetics
Classification: Uncertain significance for Sarcotubular myopathy; Bardet-Biedl syndrome 11. Last evaluated: 2022-05-16. Review status: criteria provided, single submitter. Criteria: ACMG Guidelines, 2015. Collection method: clinical testing. Allele origin: unknown.

PreventionGenetics, part of Exact Sciences
Classification: Uncertain significance for TRIM32-related condition. Last evaluated: 2024-03-22. Review status: no assertion criteria provided. Collection method: clinical testing. Allele origin: germline. Not counted in ClinVar's aggregate classification.
Comment: The TRIM32 c.494G>T variant is predicted to result in the amino acid substitution p.Arg165Leu. To our knowledge, this variant has not been reported in the literature. This variant is reported in 0.032% of alleles in individuals of African descent in gnomAD. At this time, the clinical significance of this variant is uncertain due to the absence of conclusive functional and genetic evidence.